The following is an entry in ClinVar:

NM_007294.4(BRCA1):c.4656C>G (p.Tyr1552Ter)

Gene: BRCA1 (BRCA1 DNA repair associated; minus strand). Cytogenetic location: 17q21.31.
Variant type: single nucleotide variant.
Coding change: c.4656C>G on transcript NM_007294.4 (MANE Select); coding-DNA position 4656, C replaced by G.
Protein change: p.Tyr1552Ter; replaces tyrosine 1552 with a stop codon.
Molecular consequence: nonsense. On other transcripts: non-coding transcript variant (1).
Genome position (GRCh38, 1-based): chr17:43,074,350, G>C on the plus strand (C>G on the coding strand, the complement: BRCA1 is on the minus strand). VCF-style: chr17-43074350-G-C. GRCh37 (hg19) VCF-style: chr17-41226367-G-C.
Other names: c.4653C>G, p.Tyr1551Ter (NM_001407611.1, NM_001407612.1, NM_001407613.1 and 17 more transcripts); c.4650C>G, p.Tyr1550Ter (NM_001407630.1, NM_001407631.1, NM_001407632.1 and 14 more transcripts); c.4656C>G, p.Tyr1552Ter (NM_001407652.1, NM_001407854.1, NM_001407593.1 and 8 more transcripts); c.4578C>G, p.Tyr1526Ter (NM_001407653.1, NM_001407654.1, NM_001407655.1); c.4575C>G, p.Tyr1525Ter (NM_001407656.1, NM_001407657.1, NM_001407658.1); c.4572C>G, p.Tyr1524Ter (NM_001407659.1, NM_001407660.1, NM_001407661.1 and 2 more transcripts); c.4530C>G, p.Tyr1510Ter (NM_001407671.1, NM_001407672.1, NM_001407673.1 and 11 more transcripts); c.4455C>G, p.Tyr1485Ter (NM_001407862.1); and 68 more; short protein forms Y1552*, Y1505*, Y1573*, Y448*, Y1255*, Y1441*, Y1480*, Y1483*.
Identifiers: ClinVar variation 55253 (VCV000055253.14), dbSNP rs80357151, ClinGen allele CA002951.

ClinVar aggregate classification (germline): Pathogenic. Review status: reviewed by expert panel (3 of 4 stars). 6 submissions from 6 submitters: Pathogenic (1). 5 of the submissions do not count toward it. Last evaluated 2016-09-08.

Conditions:
Hereditary cancer-predisposing syndrome. Also called: Hereditary Cancer Syndrome; Hereditary neoplastic syndrome; Neoplastic Syndromes, Hereditary; Tumor predisposition. Identifiers: Orphanet 140162, MedGen C0027672, MeSH D009386, MONDO:0015356.
Hereditary breast ovarian cancer syndrome. Also called: BRCA1- and BRCA2-Associated Hereditary Breast and Ovarian Cancer; Hereditary breast and ovarian cancer syndrome; Hereditary breast and ovarian cancer syndrome (HBOC); Breast and ovarian cancer; Hereditary breast and/or ovarian cancer syndrome; Hereditary breast and ovarian cancer. Identifiers: Orphanet 145, MedGen C0677776, MeSH D061325, MONDO:0003582. Disease mechanism: loss of function.
Breast-ovarian cancer, familial, susceptibility to, 1 (BROVCA1). Also called: BRCA1 Hereditary Breast and Ovarian Cancer; OVARIAN CANCER, SUSCEPTIBILITY TO. Identifiers: Orphanet 145, MedGen C2676676, MONDO:0011450, OMIM 604370. Disease mechanism: loss of function.

Submissions (6):

Evidence-based Network for the Interpretation of Germline Mutant Alleles (ENIGMA)
Classification: Pathogenic for Breast-ovarian cancer, familial, susceptibility to, 1. Last evaluated: 2016-09-08. Review status: reviewed by expert panel. Criteria: ENIGMA BRCA1/2 Classification Criteria (2015). Collection method: curation. Allele origin: germline.
Comment: Variant allele predicted to encode a truncated non-functional protein.

Ambry Genetics
Classification: Pathogenic for Hereditary cancer-predisposing syndrome. Last evaluated: 2025-03-17. Review status: criteria provided, single submitter. Criteria: Ambry Variant Classification Scheme 2023. Collection method: clinical testing. Allele origin: germline. Not counted in ClinVar's aggregate classification.
Comment: The p.Y1552* pathogenic mutation (also known as c.4656C>G), located in coding exon 13 of the BRCA1 gene, results from a C to G substitution at nucleotide position 4656. This changes the amino acid from a tyrosine to a stop codon within coding exon 13. This alteration is expected to result in loss of function by premature protein truncation or nonsense-mediated mRNA decay. As such, this alteration is interpreted as a disease-causing mutation.

Labcorp Genetics (formerly Invitae), Labcorp
Classification: Pathogenic for Hereditary breast ovarian cancer syndrome. Last evaluated: 2016-04-13. Review status: criteria provided, single submitter. Criteria: Invitae Variant Classification Sherloc (09022015). Collection method: clinical testing. Allele origin: germline. Not counted in ClinVar's aggregate classification.
Comment: This sequence change creates a premature translational stop signal at codon 1552 (p.Tyr1552*) of the BRCA1 gene. It is expected to result in an absent or disrupted protein product. Truncating variants in BRCA1 are known to be pathogenic. This particular truncation has been reported in the literature in an individual with breast and/or ovarian cancer (PMID: 22970155). For these reasons, this variant has been classified as Pathogenic.

Consortium of Investigators of Modifiers of BRCA1/2 (CIMBA), c/o University of Cambridge
Classification: Pathogenic for Breast-ovarian cancer, familial, susceptibility to, 1. Last evaluated: 2015-10-02. Review status: criteria provided, single submitter. Criteria: CIMBA Mutation Classification guidelines May 2016. Collection method: clinical testing. Allele origin: germline. Not counted in ClinVar's aggregate classification.

Research Molecular Genetics Laboratory, Women's College Hospital, University of Toronto
Classification: Pathogenic for Hereditary breast ovarian cancer syndrome. Last evaluated: 2014-01-31. Review status: no assertion criteria provided. Collection method: research. Allele origin: germline. Affected: yes. Study: The Canadian Open Genetics Repository (COGR). Not counted in ClinVar's aggregate classification.

Breast Cancer Information Core (BIC) (BRCA1)
No classification provided. Condition: Breast-ovarian cancer, familial 1. Review status: no classification provided. Collection method: clinical testing. Allele origin: germline, somatic. Affected: yes. Observed: 2 variant alleles. Not counted in ClinVar's aggregate classification.

Literature cited by the submitters: PubMed 22970155 (cited by Ambry Genetics and Labcorp Genetics (formerly Invitae), Labcorp); PubMed 28802053 (cited by Ambry Genetics).